The following is an entry in ClinVar:

ClinVar aggregate classification (germline): Conflicting classifications of pathogenicity. Review status: criteria provided, conflicting classifications (1 of 4 stars). 6 submissions from 6 submitters: Uncertain significance (3); Likely benign (3). Last evaluated 2026-01-26.

Conditions:
Autoinflammatory syndrome. Identifiers: Orphanet 93665, MedGen C3890737, MONDO:0019751.
Familial hemophagocytic lymphohistiocytosis 5. Also called: STXBP2-Related Familial Hemophagocytic Lymphohistiocytosis (STXBP2-fHLH). Identifiers: Orphanet 540, MedGen C2751293, MONDO:0013135, OMIM 613101.

Allele frequency attached by ClinVar (database versions not stated): gnomAD exomes 0.00011 and 0.00041; gnomAD 0.00016 and 0.00019; TOPMed 0.00033; ExAC 0.00038; 1000 Genomes Project 30x 0.00109; 1000 Genomes Project 0.00120.
gnomAD v4.1: 220 of 1,614,096 alleles (0.014%); highest among the groups gnomAD compares: East Asian, 0.34%; no homozygotes.

Submissions (6):

Labcorp Genetics (formerly Invitae), Labcorp
Classification: Likely benign for Familial hemophagocytic lymphohistiocytosis 5. Last evaluated: 2026-01-26. Review status: criteria provided, single submitter. Criteria: Invitae Variant Classification Sherloc (09022015). Collection method: clinical testing. Allele origin: germline.

Women's Health and Genetics/Laboratory Corporation of America, LabCorp
Classification: Likely benign. Last evaluated: 2025-12-10. Review status: criteria provided, single submitter. Criteria: LabCorp Variant Classification Summary - May 2015. Collection method: clinical testing. Allele origin: germline.
Comment: Variant summary: STXBP2 c.953C>T (p.Thr318Met) results in a non-conservative amino acid change in the encoded protein sequence. Algorithms developed to predict the effect of missense changes on protein structure and function all suggest that this variant is likely to be disruptive. The variant allele was found at a frequency of 0.00041 in 251098 control chromosomes, predominantly at a frequency of 0.0051 within the East Asian subpopulation in the gnomAD database. The observed variant frequency within East Asian control individuals in the gnomAD database exceeds the estimated maximal expected allele frequency for disease-causing variants in STXBP2. c.953C>T has been observed in the heterozygous state without a second STXBP2 variant in individual(s) affected with Hemophagocytic Lymphohistiocytosis (e.g. Chen_2018, Xinh_2021, Miao_2019, Guan_2021, Zhang_2020). These report(s) do not provide unequivocal conclusions about association of the variant with Familial Hemophagocytic Lymphohistiocytosis. To our knowledge, no experimental evidence demonstrating an impact on protein function has been reported. The following publications have been ascertained in the context of this evaluation (PMID: 29665027, 34170459, 31664448, 30899265, 34339548, 32375849). ClinVar contains an entry for this variant (Variation ID: 729620). Based on the evidence outlined above, the variant was classified as likely benign.

Blueprint Genetics
Classification: Uncertain significance. Last evaluated: 2024-11-26. Review status: criteria provided, single submitter. Criteria: ACMG Guidelines, 2015. Collection method: clinical testing. Allele origin: germline.

GeneDx
Classification: Uncertain significance. Last evaluated: 2023-02-22. Review status: criteria provided, single submitter. Criteria: GeneDx Variant Classification Process June 2021. Collection method: clinical testing. Allele origin: germline. Affected: yes.
Comment: Reported in the heterozygous state without a second STXBP2 variant in patients with hemophagocytic lymphohistiocytosis (Chen et al., 2018; Xinh et al., 2021); In silico analysis supports that this missense variant does not alter protein structure/function; This variant is associated with the following publications: (PMID: 29665027, 34170459, 30899265, 34339548)

CeGaT Center for Human Genetics Tuebingen
Classification: Likely benign. Last evaluated: 2023-02-01. Review status: criteria provided, single submitter. Criteria: CeGaT Center For Human Genetics Tuebingen Variant Classification Criteria Version 2. Collection method: clinical testing. Allele origin: germline. Affected: yes. Observed: 1 variant allele.
Comment: STXBP2: BS1

Genome Diagnostics Laboratory, The Hospital for Sick Children
Classification: Uncertain significance for Autoinflammatory syndrome. Last evaluated: 2020-06-01. Review status: criteria provided, single submitter. Criteria: ACMG Guidelines, 2015. Collection method: clinical testing. Allele origin: germline. Affected: yes.

Literature cited by the submitters: PubMed 29665027 (cited by Women's Health and Genetics/Laboratory Corporation of America, LabCorp); PubMed 31664448 (cited by Women's Health and Genetics/Laboratory Corporation of America, LabCorp); PubMed 30899265 (cited by Women's Health and Genetics/Laboratory Corporation of America, LabCorp); PubMed 34170459 (cited by Women's Health and Genetics/Laboratory Corporation of America, LabCorp); PubMed 32375849 (cited by Women's Health and Genetics/Laboratory Corporation of America, LabCorp); PubMed 34339548 (cited by Women's Health and Genetics/Laboratory Corporation of America, LabCorp).

NM_006949.4(STXBP2):c.953C>T (p.Thr318Met)

Gene: STXBP2 (syntaxin binding protein 2; plus strand). Cytogenetic location: 19p13.2.
Variant type: single nucleotide variant.
Coding change: c.953C>T on transcript NM_006949.4 (MANE Select); coding-DNA position 953, C replaced by T.
Protein change: p.Thr318Met; replaces threonine 318 with methionine.
Molecular consequence: missense variant. On other transcripts: non-coding transcript variant (1).
Genome position (GRCh38, 1-based): chr19:7,642,816, C>T. VCF-style: chr19-7642816-C-T. GRCh37 (hg19) VCF-style: chr19-7707702-C-T.
Other names: c.944C>T, p.Thr315Met (NM_001127396.3); c.986C>T, p.Thr329Met (NM_001272034.2); short protein forms T318M, T329M, T315M.
Identifiers: ClinVar variation 729620 (VCV000729620.45), dbSNP rs201293382, ClinGen allele CA9143883.